The following is an entry in ClinVar:

ClinVar aggregate classification (germline): Uncertain significance (1 of 4 stars; one submission).

gnomAD v4.1: 3 of 1,577,946 alleles (0.00019%); highest among the groups gnomAD compares: South Asian, 0.0035%; no homozygotes.

Submission:

Ambry Genetics
Classification: Uncertain significance. Last evaluated: 2026-04-13. Review status: criteria provided, single submitter. Criteria: Ambry Variant Classification Scheme 2023. Collection method: clinical testing. Allele origin: germline.
Comment: The p.P1630A variant (also known as c.4888C>G), located in coding exon 20 of the WNK2 gene, results from a C to G substitution at nucleotide position 4888. The proline at codon 1630 is replaced by alanine, an amino acid with highly similar properties. This amino acid position is conserved. In addition, this alteration is predicted to be tolerated by in silico analysis. Based on the available evidence, the clinical significance of this variant remains unclear.

NM_006648.4(WNK2):c.4888C>G (p.Pro1630Ala)

Gene: WNK2 (WNK lysine deficient protein kinase 2; plus strand). Cytogenetic location: 9q22.31.
Variant type: single nucleotide variant.
Coding change: c.4888C>G on transcript NM_006648.4 (MANE Select); coding-DNA position 4888, C replaced by G.
Protein change: p.Pro1630Ala; replaces proline 1630 with alanine.
Molecular consequence: missense variant.
Genome position (GRCh38, 1-based): chr9:93,289,999, C>G. VCF-style: chr9-93289999-C-G. GRCh37 (hg19) VCF-style: chr9-96052281-C-G.
Other names: c.4999C>G, p.Pro1667Ala (NM_001282394.3); short protein forms P1630A, P1667A.
Identifiers: ClinVar variation 4866594 (VCV004866594.1).